The following is an entry in ClinVar:

NM_022552.5(DNMT3A):c.148C>T (p.Arg50Trp)

Gene: DNMT3A (DNA methyltransferase 3 alpha; minus strand). Cytogenetic location: 2p23.3.
Variant type: single nucleotide variant.
Coding change: c.148C>T on transcript NM_022552.5 (MANE Select); coding-DNA position 148, C replaced by T.
Protein change: p.Arg50Trp; replaces arginine 50 with tryptophan.
Molecular consequence: missense variant. On other transcripts: non-coding transcript variant (1).
Genome position (GRCh38, 1-based): chr2:25,300,168, G>A on the plus strand (C>T on the coding strand, the complement: DNMT3A is on the minus strand). VCF-style: chr2-25300168-G-A. GRCh37 (hg19) VCF-style: chr2-25523037-G-A.
Other names: c.148C>T, p.Arg50Trp (NM_001320892.2, NM_175629.2, NM_175630.1); short protein forms R50W.
Identifiers: ClinVar variation 1805514 (VCV001805514.1), dbSNP rs1438813586, ClinGen allele CA346251633.

ClinVar aggregate classification (germline): Uncertain significance (1 of 4 stars; one submission).

Conditions:
Tatton-Brown-Rahman overgrowth syndrome. Also called: Tall stature-intellectual disability-facial dysmorphism syndrome; Tatton-Brown-Rahman syndrome. Identifiers: Orphanet 404443, MedGen C4014545, MONDO:0014382, OMIM 615879.

gnomAD v4.1: 2 of 1,613,194 alleles (0.00012%); highest among the groups gnomAD compares: Non-Finnish European, 0.000085%; no homozygotes.

Submission:

Victorian Clinical Genetics Services, Murdoch Childrens Research Institute
Classification: Uncertain significance for Tatton-Brown-Rahman overgrowth syndrome. Last evaluated: 2019-08-28. Review status: criteria provided, single submitter. Criteria: ACMG Guidelines, 2015. Collection method: clinical testing. Allele origin: germline. Inheritance: Autosomal dominant inheritance.
Comment: A heterozygous missense variant was identified, NM_175629.2(DNMT3A):c.148C>T in exon 3 of 23 of the DNMT3A gene. This substitution is predicted to create a major amino acid change from arginine to tryptophan at position 50 of the protein, NP_783328.1(DNMT3A):p.(Arg50Trp). The arginine at this position has very high conservation (100 vertebrates, UCSC), and is located within the BASP1 superfamily domain. In silico software predicts this variant to be disease causing (Polyphen, SIFT, CADD, Mutation Taster). The variant is not present in the gnomAD population database. This variant has not been previously reported in clinical cases. Based on information available at the time of curation, this variant has been classified as a VARIANT of UNCERTAIN SIGNIFICANCE (VUS).